The following is an entry in ClinVar:

ClinVar aggregate classification (germline): Uncertain significance (1 of 4 stars; one submission).

Submission:

Labcorp Genetics (formerly Invitae), Labcorp
Classification: Uncertain significance. Last evaluated: 2021-03-07. Review status: criteria provided, single submitter. Criteria: Invitae Variant Classification Sherloc (09022015). Collection method: clinical testing. Allele origin: germline.
Comment: This variant has not been reported in the literature in individuals with SNIP1-related conditions. This sequence change replaces arginine with leucine at codon 66 of the SNIP1 protein (p.Arg66Leu). The arginine residue is weakly conserved and there is a moderate physicochemical difference between arginine and leucine. The frequency data for this variant in the population databases is not available, as this variant may be reported as separate entries in the ExAC database. Algorithms developed to predict the effect of missense changes on protein structure and function are either unavailable or do not agree on the potential impact of this missense change (SIFT: "Not Available"; PolyPhen-2: "Benign"; Align-GVGD: "Not Available"). In summary, the available evidence is currently insufficient to determine the role of this variant in disease. Therefore, it has been classified as a Variant of Uncertain Significance.

NM_024700.4(SNIP1):c.197_198delinsTT (p.Arg66Leu)

Genes: SNIP1 (Smad nuclear interacting protein 1; minus strand), LOC129930156 (ATAC-STARR-seq lymphoblastoid silent region 673; plus strand). Cytogenetic location: 1p34.3.
Variant type: Indel.
Coding change: c.197_198delinsTT on transcript NM_024700.4 (MANE Select); coding-DNA positions 197 to 198, GC replaced by TT.
Protein change: p.Arg66Leu; replaces arginine 66 with leucine.
Molecular consequence: missense variant.
Genome position (GRCh38, 1-based): chr1:37,554,032-37,554,033, GC replaced by AA on the plus strand (GC replaced by TT on the coding strand, the reverse complement: SNIP1 is on the minus strand). VCF-style: chr1-37554032-GC-AA. GRCh37 (hg19) VCF-style: chr1-38019633-GC-AA.
Other names: short protein forms R66L.
Identifiers: ClinVar variation 1523872 (VCV001523872.6), dbSNP rs2148118813, ClinGen allele CA2573132265.